The following is an entry in ClinVar:

NM_003361.4(UMOD):c.1552C>A (p.Leu518Met)

Gene: UMOD (uromodulin; minus strand). Cytogenetic location: 16p12.3.
Variant type: single nucleotide variant.
Coding change: c.1552C>A on transcript NM_003361.4 (MANE Select); coding-DNA position 1552, C replaced by A.
Protein change: p.Leu518Met; replaces leucine 518 with methionine.
Molecular consequence: missense variant. On other transcripts: non-coding transcript variant (1).
Genome position (GRCh38, 1-based): chr16:20,341,116, G>T on the plus strand (C>A on the coding strand, the complement: UMOD is on the minus strand). VCF-style: chr16-20341116-G-T. GRCh37 (hg19) VCF-style: chr16-20352438-G-T.
Other names: c.1552C>A, p.Leu518Met (NM_001008389.3, NM_001378232.1, NM_001378233.1); c.1651C>A, p.Leu551Met (NM_001278614.2); c.1693C>A, p.Leu565Met (NM_001378234.1, NM_001378235.1); short protein forms L518M, L551M, L565M.
Identifiers: ClinVar variation 4846957 (VCV004846957.1).

ClinVar aggregate classification (germline): Uncertain significance (1 of 4 stars; one submission).

Conditions:
Familial juvenile hyperuricemic nephropathy type 1 (ADTKD1). Also called: Autosomal Dominant Tubulointerstitial Kidney Disease – UMOD; Glomerulocystic kidney disease with hyperuricemia and isosthenuria; Medullary cystic kidney disease 2; UMOD-Associated Kidney Disease; Uromodulin-associated kidney disease. Identifiers: Orphanet 209886, Orphanet 34149, Orphanet 88950, MedGen C4551496, MONDO:0008073, OMIM 162000.

gnomAD v4.1: 4 of 1,614,010 alleles (0.00025%); highest among the groups gnomAD compares: Non-Finnish European, 0.00034%; no homozygotes.

Submission:

Laboratorio de Genetica e Diagnostico Molecular, Hospital Israelita Albert Einstein
Classification: Uncertain significance for Familial juvenile hyperuricemic nephropathy type 1. Last evaluated: 2025-11-18. Review status: criteria provided, single submitter. Criteria: ACMG Guidelines, 2015. Collection method: clinical testing. Allele origin: germline. Affected: yes.
Comment: ACMG classification criteria: PM2 supporting, BP4 supporting